The following is an entry in ClinVar:

ClinVar aggregate classification (germline): Uncertain significance (1 of 4 stars; one submission).

Conditions:
Congenital hyperammonemia, type I. Also called: Carbamoyl phosphate synthetase 1 deficiency; Hyperammonemia due to carbamoyl phosphate synthetase 1 deficiency; CPS 1 deficiency; Carbamyl phosphate synthetase (CPS) deficiency; Carbamoyl-phosphate synthase I deficiency; CPS I DEFICIENCY. Identifiers: Orphanet 147, MedGen C4082171, MONDO:0009376, OMIM 237300.

gnomAD v4.1: 1 of 1,613,784 alleles (0.000062%); highest among the groups gnomAD compares: East Asian, 0.0022%; no homozygotes.

Submission:

Labcorp Genetics (formerly Invitae), Labcorp
Classification: Uncertain significance for Congenital hyperammonemia, type I. Last evaluated: 2022-06-10. Review status: criteria provided, single submitter. Criteria: Invitae Variant Classification Sherloc (09022015). Collection method: clinical testing. Allele origin: germline.
Comment: In summary, the available evidence is currently insufficient to determine the role of this variant in disease. Therefore, it has been classified as a Variant of Uncertain Significance. Algorithms developed to predict the effect of missense changes on protein structure and function are either unavailable or do not agree on the potential impact of this missense change (SIFT: "Deleterious"; PolyPhen-2: "Probably Damaging"; Align-GVGD: "Class C0"). This variant has not been reported in the literature in individuals affected with CPS1-related conditions. This variant is not present in population databases (gnomAD no frequency). This sequence change replaces serine, which is neutral and polar, with cysteine, which is neutral and slightly polar, at codon 148 of the CPS1 protein (p.Ser148Cys).

NM_001875.5(CPS1):c.442A>T (p.Ser148Cys)

Gene: CPS1 (carbamoyl-phosphate synthase 1; plus strand). Cytogenetic location: 2q34.
Variant type: single nucleotide variant.
Coding change: c.442A>T on transcript NM_001875.5 (MANE Select); coding-DNA position 442, A replaced by T.
Protein change: p.Ser148Cys; replaces serine 148 with cysteine.
Molecular consequence: missense variant. On other transcripts: non-coding transcript variant (1).
Genome position (GRCh38, 1-based): chr2:210,577,481, A>T. VCF-style: chr2-210577481-A-T. GRCh37 (hg19) VCF-style: chr2-211442205-A-T.
Other names: c.475A>T, p.Ser159Cys (NM_001369256.1); c.442A>T, p.Ser148Cys (NM_001369257.1, NM_001122633.3); short protein forms S159C, S148C.
Identifiers: ClinVar variation 1904028 (VCV001904028.5), dbSNP rs773663393, ClinGen allele CA350425070.
Genomic context (GRCh38, chr2:210,577,481, plus strand): 5'-GTTTCAGGTTTGCTGGTGCTGGATTATAGTAAAGACTACAACCACTGGCTGGCTACCAAG[A>T]GTTTAGGGCAATGGCTACAGGAAGAAAAGGTAAGAAATGTAATAGGGCATCCATCATCAC-3'
Protein context (NP_001866.2, residues 138-158): KDYNHWLATK[Ser148Cys]LGQWLQEEKV